The following is an entry in ClinVar:

ClinVar aggregate classification (germline): Uncertain significance (1 of 4 stars; one submission).

Submission:

GeneDx
Classification: Uncertain significance. Last evaluated: 2026-04-06. Review status: criteria provided, single submitter. Criteria: GeneDx Variant Classification Process June 2021. Collection method: clinical testing. Allele origin: germline.
Comment: Not observed at significant frequency in large population cohorts (gnomAD); In silico analysis supports that this missense variant has a deleterious effect on protein structure/function; Has not been previously published as pathogenic or benign to our knowledge

NM_001080421.3(UNC13A):c.901T>A (p.Tyr301Asn)

Gene: UNC13A (unc-13 homolog A; minus strand). Cytogenetic location: 19p13.11.
Variant type: single nucleotide variant.
Coding change: c.901T>A on transcript NM_001080421.3 (MANE Select); coding-DNA position 901, T replaced by A.
Protein change: p.Tyr301Asn; replaces tyrosine 301 with asparagine.
Molecular consequence: missense variant.
Genome position (GRCh38, 1-based): chr19:17,656,265, A>T on the plus strand (T>A on the coding strand, the complement: UNC13A is on the minus strand). VCF-style: chr19-17656265-A-T. GRCh37 (hg19) VCF-style: chr19-17767074-A-T.
Other names: c.901T>A, p.Tyr301Asn (NM_001387021.1, NM_001387022.1, NM_001387023.1); short protein forms Y301N.
Identifiers: ClinVar variation 5018254 (VCV005018254.1).
Genomic context (GRCh38, chr19:17,656,265, plus strand): 5'-CATCCTGGTCCCAGCGAGGCGAGTCTTTGTGGTAGCTGACCGAGCTGTGGCAGGAGTGGT[A>T]GGAGTCCCGGTCCCGCTCATCCTCCATGTCGGAGCCCTGCAGGCTGTGCTCGTCAGGGTC-3'
Protein context (NP_001073890.2, residues 291-311): DMEDERDRDS[Tyr301Asn]HSCHSSVSYH